The following is an entry in ClinVar:

ClinVar aggregate classification (germline): Uncertain significance. Review status: criteria provided, multiple submitters, no conflicts (2 of 4 stars). 2 submissions from 2 submitters: Uncertain significance (2). Last evaluated 2024-09-05.

Conditions:
Cardiovascular phenotype. Identifiers: MedGen CN230736.
Brugada syndrome 6 (BRGDA6). Identifiers: Orphanet 130, MedGen C2751089, MONDO:0013145, OMIM 613119.

Allele frequency attached by ClinVar (database versions not stated): TOPMed below 0.00001; ExAC 0.00001; gnomAD 0.00001.
gnomAD v4.1: 1 of 1,614,036 alleles (0.000062%); highest among the groups gnomAD compares: African/African-American, 0.0013%; no homozygotes.

Submissions (2):

Ambry Genetics
Classification: Uncertain significance for Cardiovascular phenotype. Last evaluated: 2024-09-05. Review status: criteria provided, single submitter. Criteria: Ambry Variant Classification Scheme 2023. Collection method: clinical testing. Allele origin: germline.
Comment: The p.C31Y variant (also known as c.92G>A), located in coding exon 1 of the KCNE3 gene, results from a G to A substitution at nucleotide position 92. The cysteine at codon 31 is replaced by tyrosine, an amino acid with highly dissimilar properties. This amino acid position is highly conserved in available vertebrate species. In addition, this alteration is predicted to be deleterious by in silico analysis. Since supporting evidence is limited at this time, the clinical significance of this alteration remains unclear.

Labcorp Genetics (formerly Invitae), Labcorp
Classification: Uncertain significance for Brugada syndrome 6. Last evaluated: 2023-11-17. Review status: criteria provided, single submitter. Criteria: Invitae Variant Classification Sherloc (09022015). Collection method: clinical testing. Allele origin: germline.
Comment: This sequence change replaces cysteine, which is neutral and slightly polar, with tyrosine, which is neutral and polar, at codon 31 of the KCNE3 protein (p.Cys31Tyr). This variant is present in population databases (rs748308590, gnomAD 0.007%). This variant has not been reported in the literature in individuals affected with KCNE3-related conditions. ClinVar contains an entry for this variant (Variation ID: 1766493). An algorithm developed to predict the effect of missense changes on protein structure and function (PolyPhen-2) suggests that this variant is likely to be disruptive. In summary, the available evidence is currently insufficient to determine the role of this variant in disease. Therefore, it has been classified as a Variant of Uncertain Significance.

NM_005472.5(KCNE3):c.92G>A (p.Cys31Tyr)

Gene: KCNE3 (potassium voltage-gated channel subfamily E regulatory subunit 3; minus strand). Cytogenetic location: 11q13.4.
Variant type: single nucleotide variant.
Coding change: c.92G>A on transcript NM_005472.5 (MANE Select); coding-DNA position 92, G replaced by A.
Protein change: p.Cys31Tyr; replaces cysteine 31 with tyrosine.
Molecular consequence: missense variant.
Genome position (GRCh38, 1-based): chr11:74,457,472, C>T on the plus strand (G>A on the coding strand, the complement: KCNE3 is on the minus strand). VCF-style: chr11-74457472-C-T. GRCh37 (hg19) VCF-style: chr11-74168517-C-T.
Other names: short protein forms C31Y.
Identifiers: ClinVar variation 1766493 (VCV001766493.6), dbSNP rs748308590, ClinGen allele CA6184862.